The following is an entry in ClinVar:

ClinVar aggregate classification (germline): Likely benign (1 of 4 stars; one submission).

Allele frequency attached by ClinVar (database versions not stated): gnomAD exomes below 0.00001 and 0.00002; ExAC 0.00002; gnomAD 0.00010 and 0.00011; TOPMed 0.00012.

Submission:

Laboratory for Molecular Medicine, Mass General Brigham Personalized Medicine
Classification: Likely benign. Last evaluated: 2012-04-30. Review status: criteria provided, single submitter. Criteria: LMM Criteria. Collection method: clinical testing. Allele origin: germline. Observed: 4 variant alleles.
Comment: Pro1131Pro in Exon 32 of MYO6: This variant is not expected to have clinical sig nificance because it does not alter an amino acid residue, is not located within the splice consensus sequence, and has been identified in 1/3738 African Americ an chromosomes from a broad population by the NHLBI Exome Sequencing Project.

NM_004999.4(MYO6):c.3393A>G (p.Pro1131=)

Gene: MYO6 (myosin VI; plus strand). Cytogenetic location: 6q14.1.
Variant type: single nucleotide variant.
Coding change: c.3393A>G on transcript NM_004999.4 (MANE Select); coding-DNA position 3393, A replaced by G.
Protein change: p.Pro1131=; no amino-acid change (proline 1131 retained).
Molecular consequence: synonymous variant. On other transcripts: non-coding transcript variant (1).
Genome position (GRCh38, 1-based): chr6:75,908,608, A>G. VCF-style: chr6-75908608-A-G. GRCh37 (hg19) VCF-style: chr6-76618325-A-G.
Other names: c.3324A>G, p.Pro1108= (NM_001300899.2, NM_001368136.1); c.3381A>G, p.Pro1127= (NM_001368137.1); c.3309A>G, p.Pro1103= (NM_001368138.1); c.3420A>G, p.Pro1140= (NM_001368865.1, NM_001368866.1).
Identifiers: ClinVar variation 666727 (VCV000666727.4), dbSNP rs768505655, ClinGen allele CA3897695.
Genomic context (GRCh38, chr6:75,908,608, plus strand): 5'-GTATCATGCTTGGAAATCTAAGAACAAGAAGAGAAATACTGAAACAGAGCAACGTGCTCC[A>G]AAGTCTGTTACTGATTATGGTAAAGAGAAATCTGTACTTTTGAACGTTTTAAAATATATG-3'
Protein context (NP_004990.3, residues 1121-1141): KRNTETEQRA[Pro1131=]KSVTDYDFAP